The following is an entry in ClinVar:

ClinVar aggregate classification (germline): Likely benign. Review status: criteria provided, multiple submitters, no conflicts (2 of 4 stars). 4 submissions from 4 submitters: Likely benign (4). Last evaluated 2025-12-29.

Allele frequency attached by ClinVar (database versions not stated): TOPMed 0.00004; gnomAD 0.00005; gnomAD exomes 0.00005; ExAC 0.00006; ESP Exome Variant Server 0.00008; 1000 Genomes Project 30x 0.00031.
gnomAD v4.1: 88 of 1,614,148 alleles (0.0055%); highest among the groups gnomAD compares: African/African-American, 0.047%; no homozygotes.

Submissions (4):

Labcorp Genetics (formerly Invitae), Labcorp
Classification: Likely benign. Last evaluated: 2025-12-29. Review status: criteria provided, single submitter. Criteria: Invitae Variant Classification Sherloc (09022015). Collection method: clinical testing. Allele origin: germline.

CeGaT Center for Human Genetics Tuebingen
Classification: Likely benign. Last evaluated: 2024-11-01. Review status: criteria provided, single submitter. Criteria: CeGaT Center For Human Genetics Tuebingen Variant Classification Criteria Version 2. Collection method: clinical testing. Allele origin: germline. Affected: yes. Observed: 3 variant alleles.
Comment: FAT4: BP4, BP7

Blueprint Genetics
Classification: Likely benign. Last evaluated: 2024-02-20. Review status: criteria provided, single submitter. Criteria: ACMG Guidelines, 2015. Collection method: clinical testing. Allele origin: germline.

Breakthrough Genomics
Classification: Likely benign. Review status: criteria provided, single submitter. Criteria: ACMG Guidelines, 2015. Collection method: not provided. Allele origin: germline. Inheritance: Autosomal recessive inheritance. Affected: yes.

NM_001291303.3(FAT4):c.4599C>T (p.Asn1533=)

Gene: FAT4 (FAT atypical cadherin 4; plus strand). Cytogenetic location: 4q28.1.
Variant type: single nucleotide variant.
Coding change: c.4599C>T on transcript NM_001291303.3 (MANE Select); coding-DNA position 4599, C replaced by T.
Protein change: p.Asn1533=; no amino-acid change (asparagine 1533 retained).
Molecular consequence: synonymous variant.
Genome position (GRCh38, 1-based): chr4:125,321,010, C>T. VCF-style: chr4-125321010-C-T. GRCh37 (hg19) VCF-style: chr4-126242165-C-T.
Other names: c.4599C>T, p.Asn1533= (NM_001291285.3, NM_024582.6).
Identifiers: ClinVar variation 742827 (VCV000742827.33), dbSNP rs371858685, ClinGen allele CA3072488.